The following is an entry in ClinVar:

NM_000180.4(GUCY2D):c.1150del (p.Asp384fs)

Gene: GUCY2D (guanylate cyclase 2D, retinal; plus strand). Cytogenetic location: 17p13.1.
Variant type: Deletion.
Coding change: c.1150del on transcript NM_000180.4 (MANE Select); coding-DNA position 1150, one base deleted (G; older notation c.1150delG).
Protein change: p.Asp384fs; shifts the reading frame from aspartic acid 384.
Molecular consequence: frameshift variant.
Genome position (GRCh38, 1-based): chr17:8,006,486, G deleted; the last of 3 consecutive G bases (chr17:8,006,484-8,006,486); deleting any one gives the same sequence. VCF-style (leftmost placement, unchanged base first): chr17-8006483-CG-C. GRCh37 (hg19) VCF-style: chr17-7909801-CG-C.
Other names: short protein forms D384fs.
Identifiers: ClinVar variation 2086516 (VCV002086516.4), dbSNP rs2545420239, ClinGen allele CA2580094930.

ClinVar aggregate classification (germline): Pathogenic (1 of 4 stars; one submission).

Conditions:
Cone-rod dystrophy 6 (CORD6). Also called: Cone dystrophy progressive; RETINAL CONE DYSTROPHY 2. Identifiers: Orphanet 1872, MedGen C1866293, MONDO:0011143, OMIM 601777.
Leber congenital amaurosis 1 (LCA1). Also called: AMAUROSIS CONGENITA OF LEBER I; Congenital absence of the rods and cones; Leber's congenital tapetoretinal degeneration; Leber's congenital tapetoretinal dysplasia; RETINAL BLINDNESS, CONGENITAL. Identifiers: Orphanet 65, MedGen C2931258, MONDO:0008764, OMIM 204000.

Submission:

Labcorp Genetics (formerly Invitae), Labcorp
Classification: Pathogenic for Leber congenital amaurosis 1; Cone-rod dystrophy 6. Last evaluated: 2024-12-16. Review status: criteria provided, single submitter. Criteria: Invitae Variant Classification Sherloc (09022015). Collection method: clinical testing. Allele origin: germline.
Comment: This sequence change creates a premature translational stop signal (p.Asp384Metfs*11) in the GUCY2D gene. It is expected to result in an absent or disrupted protein product. Loss-of-function variants in GUCY2D are known to be pathogenic (PMID: 10951519, 11328726). This variant is not present in population databases (gnomAD no frequency). This variant has not been reported in the literature in individuals affected with GUCY2D-related conditions. ClinVar contains an entry for this variant (Variation ID: 2086516). For these reasons, this variant has been classified as Pathogenic.

Literature cited by the submitters: PubMed 10951519; PubMed 11328726.